The following is an entry in ClinVar:

ClinVar aggregate classification (germline): Uncertain significance (1 of 4 stars; one submission).

Submission:

CeGaT Center for Human Genetics Tuebingen
Classification: Uncertain significance. Last evaluated: 2025-10-01. Review status: criteria provided, single submitter. Criteria: CeGaT Center For Human Genetics Tuebingen Variant Classification Criteria Version 2. Collection method: clinical testing. Allele origin: germline. Affected: yes. Observed: 1 variant allele.
Comment: USP9X: PM2

NM_001039591.3(USP9X):c.3251C>T (p.Ser1084Leu)

Gene: USP9X (ubiquitin specific peptidase 9 X-linked; plus strand). Cytogenetic location: Xp11.4.
Variant type: single nucleotide variant.
Coding change: c.3251C>T on transcript NM_001039591.3 (MANE Select); coding-DNA position 3251, C replaced by T.
Protein change: p.Ser1084Leu; replaces serine 1084 with leucine.
Molecular consequence: missense variant.
Genome position (GRCh38, 1-based): chrX:41,184,100, C>T. VCF-style: chrX-41184100-C-T. GRCh37 (hg19) VCF-style: chrX-41043353-C-T.
Other names: c.3251C>T, p.Ser1084Leu (NM_001039590.3); c.3266C>T, p.Ser1089Leu (NM_001410748.1, NM_001410749.1, NM_001437534.1); short protein forms S1084L, S1089L.
Identifiers: ClinVar variation 4534908 (VCV004534908.6).
Genomic context (GRCh38, chrX:41,184,100, plus strand): 5'-ATGCCAAACTTGGAGAAAGCAGCCTTAGTCCATCTCTTGACTCACTTTTCTTTGGTCCTT[C>T]AGCCTCACAAGTGCTATATCTAACAGAGGTTAGTTTTTGGGGTTTTTTGTTGTTGTTGTT-3'
Protein context (NP_001034680.2, residues 1074-1094): PSLDSLFFGP[Ser1084Leu]ASQVLYLTEV